The following is an entry in ClinVar:

NM_181458.4(PAX3):c.586+447G>A

Gene: PAX3 (paired box 3; minus strand). Cytogenetic location: 2q36.1.
Variant type: single nucleotide variant.
Coding change: c.586+447G>A on transcript NM_181458.4 (MANE Select); 447 bases into the intron after coding-DNA position 586, G replaced by A.
Molecular consequence: intron variant. On other transcripts: 3 prime UTR variant (2).
Genome position (GRCh38, 1-based): chr2:222,293,720, C>T on the plus strand (G>A on the coding strand, the complement: PAX3 is on the minus strand). VCF-style: chr2-222293720-C-T. GRCh37 (hg19) VCF-style: chr2-223158439-C-T.
Other names: c.*385G>A (NM_000438.6); c.*3G>A (NM_013942.5); c.583+447G>A (NM_001127366.3); c.586+447G>A (NM_181460.4, NM_181461.4, NM_181459.4 and 1 more transcripts).
Identifiers: ClinVar variation 4988547 (VCV004988547.1).

ClinVar aggregate classification (germline): Likely benign (1 of 4 stars; one submission).

Conditions:
PAX3-related disorder. Also called: PAX3-related condition.

Submission:

PreventionGenetics, part of Exact Sciences
Classification: Likely benign for PAX3-related condition. Last evaluated: 2026-09-09. Review status: criteria provided, single submitter. Criteria: ACMG Guidelines, 2015. Collection method: clinical testing. Allele origin: germline.
Comment: This variant is classified as likely benign based on ACMG/AMP sequence variant interpretation guidelines (Richards et al. 2015 PMID: 25741868, with internal and published modifications).